The following is an entry in ClinVar:

ClinVar aggregate classification (germline): Uncertain significance (1 of 4 stars; one submission).

Submission:

GeneDx
Classification: Uncertain significance. Last evaluated: 2022-01-19. Review status: criteria provided, single submitter. Criteria: GeneDx Variant Classification Process June 2021. Collection method: clinical testing. Allele origin: germline. Affected: yes.
Comment: Not observed at significant frequency in large population cohorts (gnomAD); In silico analysis supports that this missense variant does not alter protein structure/function; Has not been previously published as pathogenic or benign to our knowledge

NM_006231.4(POLE):c.554A>G (p.Asp185Gly)

Gene: POLE (DNA polymerase epsilon, catalytic subunit; minus strand). Cytogenetic location: 12q24.33.
Variant type: single nucleotide variant.
Coding change: c.554A>G on transcript NM_006231.4 (MANE Select); coding-DNA position 554, A replaced by G.
Protein change: p.Asp185Gly; replaces aspartic acid 185 with glycine.
Molecular consequence: missense variant.
Genome position (GRCh38, 1-based): chr12:132,679,521, T>C on the plus strand (A>G on the coding strand, the complement: POLE is on the minus strand). VCF-style: chr12-132679521-T-C. GRCh37 (hg19) VCF-style: chr12-133256107-T-C.
Other names: short protein forms D185G.
Identifiers: ClinVar variation 1698262 (VCV001698262.2), dbSNP rs2136027111, ClinGen allele CA387366766.